The following is an entry in ClinVar:

ClinVar aggregate classification (germline): Uncertain significance (1 of 4 stars; one submission).

gnomAD v4.1: 3 of 1,212,114 alleles (0.00025%); highest among the groups gnomAD compares: Admixed American, 0.0043%; no homozygotes.

Submission:

Ambry Genetics
Classification: Uncertain significance. Last evaluated: 2026-04-06. Review status: criteria provided, single submitter. Criteria: Ambry Variant Classification Scheme 2023. Collection method: clinical testing. Allele origin: germline.
Comment: The c.463G>A (p.V155M) alteration is located in exon 4 (coding exon 4) of the TKTL1 gene. This alteration results from a G to A substitution at nucleotide position 463, causing the valine (V) at amino acid position 155 to be replaced by a methionine (M). Based on data from gnomAD, the A allele has an overall frequency of 0.001% (2/183427) total alleles studied. The highest observed frequency was 0.022% (1/4533) of Other alleles. Based on insufficient or conflicting evidence, the clinical significance of this alteration remains unclear.

NM_012253.4(TKTL1):c.463G>A (p.Val155Met)

Gene: TKTL1 (transketolase like 1; plus strand). Cytogenetic location: Xq28.
Variant type: single nucleotide variant.
Coding change: c.463G>A on transcript NM_012253.4 (MANE Select); coding-DNA position 463, G replaced by A.
Protein change: p.Val155Met; replaces valine 155 with methionine.
Molecular consequence: missense variant.
Genome position (GRCh38, 1-based): chrX:154,310,948, G>A. VCF-style: chrX-154310948-G-A. GRCh37 (hg19) VCF-style: chrX-153539299-G-A.
Other names: c.445G>A, p.Val149Met (NM_001145933.2); c.295G>A, p.Val99Met (NM_001145934.2); short protein forms V149M, V155M, V99M.
Identifiers: ClinVar variation 4865697 (VCV004865697.1).